The following is an entry in ClinVar:

NM_018489.3(ASH1L):c.6489G>T (p.Gly2163=)

Gene: ASH1L (ASH1 like histone lysine methyltransferase; minus strand). Cytogenetic location: 1q22.
Variant type: single nucleotide variant.
Coding change: c.6489G>T on transcript NM_018489.3 (MANE Select); coding-DNA position 6489, G replaced by T.
Protein change: p.Gly2163=; no amino-acid change (glycine 2163 retained).
Molecular consequence: synonymous variant.
Genome position (GRCh38, 1-based): chr1:155,370,827, C>A on the plus strand (G>T on the coding strand, the complement: ASH1L is on the minus strand). VCF-style: chr1-155370827-C-A. GRCh37 (hg19) VCF-style: chr1-155340618-C-A.
Other names: c.6504G>T, p.Gly2168= (NM_001366177.2).
Identifiers: ClinVar variation 1318609 (VCV001318609.2), dbSNP rs1360723323, ClinGen allele CA421247474.

ClinVar aggregate classification (germline): Uncertain significance (1 of 4 stars; one submission).

Allele frequency attached by ClinVar (database versions not stated): gnomAD exomes below 0.00001; gnomAD 0.00001; TOPMed 0.00001.
gnomAD v4.1: 3 of 1,614,048 alleles (0.00019%); highest among the groups gnomAD compares: African/African-American, 0.0027%; no homozygotes.

Submission:

GeneDx
Classification: Uncertain significance. Last evaluated: 2020-10-19. Review status: criteria provided, single submitter. Criteria: GeneDx Variant Classification Process June 2021. Collection method: clinical testing. Allele origin: germline. Affected: yes.
Comment: Has not been previously published as pathogenic or benign to our knowledge; In silico analysis suggests this variant may impact gene splicing. In the absence of RNA/functional studies, the actual effect of this sequence change is unknown.